The following is an entry in ClinVar:

ClinVar aggregate classification (germline): Likely benign. Review status: criteria provided, multiple submitters, no conflicts (2 of 4 stars). 3 submissions from 3 submitters: Likely benign (3). Last evaluated 2025-08-24.

Conditions:
Cardiovascular phenotype. Identifiers: MedGen CN230736.
Long QT syndrome (LQTS). Identifiers: MedGen C0023976, MeSH D008133, MONDO:0002442. Disease mechanism: loss of function. Inheritance: Various modes of inheritance.

Allele frequency attached by ClinVar (database versions not stated): gnomAD 0.00001; ExAC 0.00002.
gnomAD v4.1: 20 of 1,596,234 alleles (0.0013%); highest among the groups gnomAD compares: South Asian, 0.0046%; no homozygotes.

Submissions (3):

Labcorp Genetics (formerly Invitae), Labcorp
Classification: Likely benign for Long QT syndrome. Last evaluated: 2025-08-24. Review status: criteria provided, single submitter. Criteria: Invitae Variant Classification Sherloc (09022015). Collection method: clinical testing. Allele origin: germline.

Mayo Clinic Laboratories, Mayo Clinic
Classification: Likely benign. Last evaluated: 2024-11-19. Review status: criteria provided, single submitter. Criteria: ACMG Guidelines, 2015. Collection method: clinical testing. Allele origin: germline. Observed: 2 variant alleles.
Comment: BP4, BP7

Ambry Genetics
Classification: Likely benign for Cardiovascular phenotype. Last evaluated: 2023-03-01. Review status: criteria provided, single submitter. Criteria: Ambry Variant Classification Scheme 2023. Collection method: clinical testing. Allele origin: germline.

NM_000719.7(CACNA1C):c.758-4G>A

Gene: CACNA1C (calcium voltage-gated channel subunit alpha1 C; plus strand). Cytogenetic location: 12p13.33.
Variant type: single nucleotide variant.
Coding change: c.758-4G>A on transcript NM_000719.7 (MANE Select); 4 bases into the intron before coding-DNA position 758, G replaced by A.
Molecular consequence: intron variant.
Genome position (GRCh38, 1-based): chr12:2,486,100, G>A. VCF-style: chr12-2486100-G-A. GRCh37 (hg19) VCF-style: chr12-2595266-G-A.
Other names: p.?; c.758-4G>A (NM_001167624.3, NM_001167623.2, NM_001167625.2 and 19 more transcripts).
Identifiers: ClinVar variation 1759628 (VCV001759628.9), dbSNP rs754220732, ClinGen allele CA6388537.